The following is an entry in ClinVar:

ClinVar aggregate classification (germline): Pathogenic (1 of 4 stars; one submission).

Allele frequency attached by ClinVar (database versions not stated): gnomAD exomes below 0.00001.
gnomAD v4.1: 6 of 1,502,338 alleles (0.0004%); highest among the groups gnomAD compares: Non-Finnish European, 0.00056%; no homozygotes.

Submission:

Labcorp Genetics (formerly Invitae), Labcorp
Classification: Pathogenic. Last evaluated: 2023-05-29. Review status: criteria provided, single submitter. Criteria: Invitae Variant Classification Sherloc (09022015). Collection method: clinical testing. Allele origin: germline.
Comment: For these reasons, this variant has been classified as Pathogenic. Algorithms developed to predict the effect of sequence changes on RNA splicing suggest that this variant may disrupt the consensus splice site. This variant has not been reported in the literature in individuals affected with PIK3C2A-related conditions. This variant is present in population databases (no rsID available, gnomAD 0.0009%). This sequence change creates a premature translational stop signal (p.Gln1076*) in the PIK3C2A gene. It is expected to result in an absent or disrupted protein product. Loss-of-function variants in PIK3C2A are known to be pathogenic (PMID: 31034465).

Literature cited by the submitters: PubMed 31034465.

NM_002645.4(PIK3C2A):c.3226C>T (p.Gln1076Ter)

Gene: PIK3C2A (phosphatidylinositol-4-phosphate 3-kinase catalytic subunit type 2 alpha; minus strand). Cytogenetic location: 11p15.1.
Variant type: single nucleotide variant.
Coding change: c.3226C>T on transcript NM_002645.4 (MANE Select); coding-DNA position 3226, C replaced by T.
Protein change: p.Gln1076Ter; replaces glutamine 1076 with a stop codon.
Molecular consequence: nonsense.
Genome position (GRCh38, 1-based): chr11:17,114,456, G>A on the plus strand (C>T on the coding strand, the complement: PIK3C2A is on the minus strand). VCF-style: chr11-17114456-G-A. GRCh37 (hg19) VCF-style: chr11-17136003-G-A.
Other names: c.3226C>T, p.Gln1076Ter (NM_001321378.2); c.2086C>T, p.Gln696Ter (NM_001321380.2); c.3058C>T, p.Gln1020Ter (NM_001386870.1); short protein forms Q1020*, Q1076*, Q696*.
Identifiers: ClinVar variation 2801790 (VCV002801790.3), dbSNP rs1485348453, ClinGen allele CA379758430.